The following is an entry in ClinVar:

NM_006302.3(MOGS):c.767A>C (p.Lys256Thr)

Gene: MOGS (mannosyl-oligosaccharide glucosidase; minus strand). Cytogenetic location: 2p13.1.
Variant type: single nucleotide variant.
Coding change: c.767A>C on transcript NM_006302.3 (MANE Select); coding-DNA position 767, A replaced by C.
Protein change: p.Lys256Thr; replaces lysine 256 with threonine.
Molecular consequence: missense variant.
Genome position (GRCh38, 1-based): chr2:74,463,199, T>G on the plus strand (A>C on the coding strand, the complement: MOGS is on the minus strand). VCF-style: chr2-74463199-T-G. GRCh37 (hg19) VCF-style: chr2-74690326-T-G.
Other names: c.449A>C, p.Lys150Thr (NM_001146158.2); short protein forms K256T, K150T.
Identifiers: ClinVar variation 2790643 (VCV002790643.3), dbSNP rs2529498773, ClinGen allele CA347379492.

ClinVar aggregate classification (germline): Uncertain significance (1 of 4 stars; one submission).

Conditions:
MOGS-congenital disorder of glycosylation. Also called: CDG 2B; MOGS-CDG; CDG IIb; GLUCOSIDASE I DEFICIENCY. Identifiers: Orphanet 79330, MedGen C1853736, MONDO:0011629, OMIM 606056.

gnomAD v4.1: 1 of 1,614,188 alleles (0.000062%); highest among the groups gnomAD compares: Non-Finnish European, 0.000085%; no homozygotes.

Submission:

Labcorp Genetics (formerly Invitae), Labcorp
Classification: Uncertain significance for MOGS-congenital disorder of glycosylation. Last evaluated: 2022-12-13. Review status: criteria provided, single submitter. Criteria: Invitae Variant Classification Sherloc (09022015). Collection method: clinical testing. Allele origin: germline.
Comment: This sequence change replaces lysine, which is basic and polar, with threonine, which is neutral and polar, at codon 256 of the MOGS protein (p.Lys256Thr). This variant is not present in population databases (gnomAD no frequency). This variant has not been reported in the literature in individuals affected with MOGS-related conditions. Advanced modeling of protein sequence and biophysical properties (such as structural, functional, and spatial information, amino acid conservation, physicochemical variation, residue mobility, and thermodynamic stability) performed at Invitae indicates that this missense variant is not expected to disrupt MOGS protein function. In summary, the available evidence is currently insufficient to determine the role of this variant in disease. Therefore, it has been classified as a Variant of Uncertain Significance.